The following is an entry in ClinVar:

NC_000011.10:g.112226363C>T

Genes: PTS (6-pyruvoyltetrahydropterin synthase; plus strand), LOC130006765 (ATAC-STARR-seq lymphoblastoid silent region 3906; plus strand). Cytogenetic location: 11q23.1.
Variant type: single nucleotide variant.
Genome position: GRCh38 VCF-style: chr11-112226363-C-T. GRCh37 (hg19) VCF-style: chr11-112097086-C-T.
Identifiers: ClinVar variation 1301490 (VCV001301490.5), dbSNP rs111244560, ClinGen allele CA228594988.

ClinVar aggregate classification (germline): Likely benign. Review status: criteria provided, multiple submitters, no conflicts (2 of 4 stars). 2 submissions from 2 submitters: Likely benign (2). Last evaluated 2026-04-01.

Allele frequency attached by ClinVar (database versions not stated): gnomAD exomes 0.00027; 1000 Genomes Project 0.00240; 1000 Genomes Project 30x 0.00297; gnomAD 0.00317 and 0.00345; TOPMed 0.00351.

Submissions (2):

CeGaT Center for Human Genetics Tuebingen
Classification: Likely benign. Last evaluated: 2026-04-01. Review status: criteria provided, single submitter. Criteria: CeGaT Center For Human Genetics Tuebingen Variant Classification Criteria Version 2. Collection method: clinical testing. Allele origin: germline. Affected: yes. Observed: 1 variant allele.
Comment: PTS: BS1

GeneDx
Classification: Likely benign. Last evaluated: 2021-04-21. Review status: criteria provided, single submitter. Criteria: GeneDx Variant Classification Process June 2021. Collection method: clinical testing. Allele origin: germline. Affected: yes.